The following is an entry in ClinVar:

NM_182961.4(SYNE1):c.14929A>G (p.Ile4977Val)

Gene: SYNE1 (spectrin repeat containing nuclear envelope protein 1; minus strand). Cytogenetic location: 6q25.2.
Variant type: single nucleotide variant.
Coding change: c.14929A>G on transcript NM_182961.4 (MANE Select); coding-DNA position 14929, A replaced by G.
Protein change: p.Ile4977Val; replaces isoleucine 4977 with valine.
Molecular consequence: missense variant.
Genome position (GRCh38, 1-based): chr6:152,329,756, T>C on the plus strand (A>G on the coding strand, the complement: SYNE1 is on the minus strand). VCF-style: chr6-152329756-T-C. GRCh37 (hg19) VCF-style: chr6-152650891-T-C.
Other names: c.14929A>G (NM_182961.2); c.14716A>G, p.Ile4906Val (NM_033071.5); short protein forms I4906V, I4977V.
Identifiers: ClinVar variation 2436584 (VCV002436584.4), dbSNP rs142584676, ClinGen allele CA4055922.

ClinVar aggregate classification (germline): Uncertain significance. Review status: criteria provided, multiple submitters, no conflicts (2 of 4 stars). 2 submissions from 2 submitters: Uncertain significance (2). Last evaluated 2024-05-22.

Allele frequency attached by ClinVar (database versions not stated): gnomAD exomes below 0.00001; ExAC 0.00001; gnomAD 0.00001; TOPMed 0.00002; ESP Exome Variant Server 0.00008.
gnomAD v4.1: 3 of 1,614,098 alleles (0.00019%); highest among the groups gnomAD compares: African/African-American, 0.0027%; no homozygotes.

Submissions (2):

Athena Diagnostics
Classification: Uncertain significance. Last evaluated: 2024-05-22. Review status: criteria provided, single submitter. Criteria: Athena Diagnostics Criteria. Collection method: clinical testing. Allele origin: unknown.
Comment: Available data are insufficient to determine the clinical significance of the variant at this time. The frequency of this variant in the general population is uninformative in assessment of its pathogenicity. Polyphen and MutationTaster predict this amino acid change may be benign.

Revvity Omics, Revvity
Classification: Uncertain significance. Last evaluated: 2019-03-27. Review status: criteria provided, single submitter. Criteria: ACMG Guidelines, 2015. Collection method: clinical testing. Allele origin: germline.